The following is an entry in ClinVar:

NM_152416.4(NDUFAF6):c.872C>A (p.Thr291Lys)

Gene: NDUFAF6 (NADH:ubiquinone oxidoreductase complex assembly factor 6; plus strand). Cytogenetic location: 8q22.1.
Variant type: single nucleotide variant.
Coding change: c.872C>A on transcript NM_152416.4 (MANE Select); coding-DNA position 872, C replaced by A.
Protein change: p.Thr291Lys; replaces threonine 291 with lysine.
Molecular consequence: missense variant. On other transcripts: non-coding transcript variant (4), intron variant (2).
Genome position (GRCh38, 1-based): chr8:95,052,229, C>A. VCF-style: chr8-95052229-C-A. GRCh37 (hg19) VCF-style: chr8-96064457-C-A.
Other names: c.596C>A, p.Thr199Lys (NM_001330582.2, NM_001354514.2, NM_001354515.2); c.716C>A, p.Thr239Lys (NM_001354516.2); c.539C>A, p.Thr180Lys (NM_001354517.2, NM_001354518.2, NM_001354519.2); c.416C>A, p.Thr139Lys (NM_001354522.2, NM_001354524.2, NM_001354525.2 and 7 more transcripts); c.483+3671C>A (NM_001354534.2); c.540+3671C>A (NM_001354521.2); short protein forms T139K, T199K, T239K, T291K, T180K.
Identifiers: ClinVar variation 1425951 (VCV001425951.6), dbSNP rs763178410, ClinGen allele CA371747671.

ClinVar aggregate classification (germline): Uncertain significance (1 of 4 stars; one submission).

gnomAD v4.1: 1 of 1,613,728 alleles (0.000062%); no homozygotes.

Submission:

Labcorp Genetics (formerly Invitae), Labcorp
Classification: Uncertain significance. Last evaluated: 2022-07-12. Review status: criteria provided, single submitter. Criteria: Invitae Variant Classification Sherloc (09022015). Collection method: clinical testing. Allele origin: germline.
Comment: ClinVar contains an entry for this variant (Variation ID: 1425951). Algorithms developed to predict the effect of missense changes on protein structure and function are either unavailable or do not agree on the potential impact of this missense change (SIFT: "Deleterious"; PolyPhen-2: "Possibly Damaging"; Align-GVGD: "Class C15"). Algorithms developed to predict the effect of sequence changes on RNA splicing suggest that this variant may create or strengthen a splice site. In summary, the available evidence is currently insufficient to determine the role of this variant in disease. Therefore, it has been classified as a Variant of Uncertain Significance. This variant has not been reported in the literature in individuals affected with NDUFAF6-related conditions. This sequence change replaces threonine, which is neutral and polar, with lysine, which is basic and polar, at codon 291 of the NDUFAF6 protein (p.Thr291Lys). This variant is not present in population databases (gnomAD no frequency).